The following is an entry in ClinVar:

NM_000038.6(APC):c.3242G>A (p.Ser1081Asn)

Gene: APC (APC regulator of Wnt signaling pathway; plus strand). Cytogenetic location: 5q22.2.
Variant type: single nucleotide variant.
Coding change: c.3242G>A on transcript NM_000038.6 (MANE Select); coding-DNA position 3242, G replaced by A.
Protein change: p.Ser1081Asn; replaces serine 1081 with asparagine.
Molecular consequence: missense variant.
Genome position (GRCh38, 1-based): chr5:112,838,836, G>A. VCF-style: chr5-112838836-G-A. GRCh37 (hg19) VCF-style: chr5-112174533-G-A.
Other names: c.3242G>A, p.Ser1081Asn (NM_001127510.3, NM_001354895.2); c.3188G>A, p.Ser1063Asn (NM_001127511.3); c.3296G>A, p.Ser1099Asn (NM_001354896.2); c.3272G>A, p.Ser1091Asn (NM_001354897.2); c.3167G>A, p.Ser1056Asn (NM_001354898.2); c.3158G>A, p.Ser1053Asn (NM_001354899.2); c.3119G>A, p.Ser1040Asn (NM_001354900.2); c.3065G>A, p.Ser1022Asn (NM_001354901.2); and 5 more; short protein forms S1063N, S1081N, S921N, S990N, S1053N, S1099N, S955N, S1022N.
Identifiers: ClinVar variation 219459 (VCV000219459.26), dbSNP rs374380039, ClinGen allele CA349100.

ClinVar aggregate classification (germline): Conflicting classifications of pathogenicity. Review status: criteria provided, conflicting classifications (1 of 4 stars). 11 submissions from 11 submitters: Uncertain significance (8); Likely benign (1). 2 of the submissions do not count toward it. Last evaluated 2026-01-26.

Conditions:
APC-related disorder. Also called: APC-related condition.
Classic or attenuated familial adenomatous polyposis. Identifiers: MedGen CN372698, MONDO:0021057.
Hereditary cancer-predisposing syndrome. Also called: Hereditary neoplastic syndrome; Tumor predisposition; Hereditary Cancer Syndrome; Neoplastic Syndromes, Hereditary. Identifiers: Orphanet 140162, MedGen C0027672, MeSH D009386, MONDO:0015356.
Familial adenomatous polyposis 1 (FAP1). Also called: FAMILIAL ADENOMATOUS POLYPOSIS 1, ATTENUATED; POLYPOSIS, ADENOMATOUS INTESTINAL. Identifiers: MedGen C2713442, MONDO:0021056, OMIM 175100. Disease mechanism: loss of function.

Allele frequency attached by ClinVar (database versions not stated): gnomAD exomes below 0.00001; gnomAD 0.00001; TOPMed 0.00003; ESP Exome Variant Server 0.00008.
gnomAD v4.1: 3 of 1,614,028 alleles (0.00019%); highest among the groups gnomAD compares: African/African-American, 0.004%; no homozygotes.

Submissions (11):

Labcorp Genetics (formerly Invitae), Labcorp
Classification: Uncertain significance for Familial adenomatous polyposis 1. Last evaluated: 2026-01-26. Review status: criteria provided, single submitter. Criteria: Invitae Variant Classification Sherloc (09022015). Collection method: clinical testing. Allele origin: germline.
Comment: This sequence change replaces serine, which is neutral and polar, with asparagine, which is neutral and polar, at codon 1081 of the APC protein (p.Ser1081Asn). This variant is present in population databases (rs374380039, gnomAD 0.01%). This variant has not been reported in the literature in individuals affected with APC-related conditions. ClinVar contains an entry for this variant (Variation ID: 219459). Invitae Evidence Modeling of protein sequence and biophysical properties (such as structural, functional, and spatial information, amino acid conservation, physicochemical variation, residue mobility, and thermodynamic stability) indicates that this missense variant is not expected to disrupt APC protein function with a negative predictive value of 95%. In summary, the available evidence is currently insufficient to determine the role of this variant in disease. Therefore, it has been classified as a Variant of Uncertain Significance.

GeneDx
Classification: Uncertain significance. Last evaluated: 2024-02-23. Review status: criteria provided, single submitter. Criteria: GeneDx Variant Classification Process June 2021. Collection method: clinical testing. Allele origin: germline. Affected: yes.
Comment: Not observed at significant frequency in large population cohorts (gnomAD); In silico analysis supports that this missense variant does not alter protein structure/function; Identified in an individual with kidney cancer (PMID: 29684080); This variant is associated with the following publications: (PMID: 18199528, 29684080)

Quest Diagnostics Nichols Institute San Juan Capistrano
Classification: Uncertain significance. Last evaluated: 2024-02-20. Review status: criteria provided, single submitter. Criteria: Quest Diagnostics criteria. Collection method: clinical testing. Allele origin: unknown.
Comment: The APC c.3242G>A (p.Ser1081Asn) variant has been reported in the published literature in an individual with melanoma (PMID: 32913981 (2018)). It has also been reported in a renal cell carcinoma sample from The Cancer Genome Atlas (TCGA) dataset (PMID: 29684080 (2018)). The frequency of this variant in the general population, 0.000032 (1/31396 chromosomes (Genome Aggregation Database)), is uninformative in the assessment of its pathogenicity. Analysis of this variant using bioinformatics tools for the prediction of the effect of amino acid changes on protein structure and function yielded predictions that this variant is benign. Based on the available information, we are unable to determine the clinical significance of this variant.

Ambry Genetics
Classification: Likely benign for Hereditary cancer-predisposing syndrome. Last evaluated: 2023-06-15. Review status: criteria provided, single submitter. Criteria: Ambry Variant Classification Scheme 2023. Collection method: clinical testing. Allele origin: germline.

All of Us Research Program, National Institutes of Health
Classification: Uncertain significance for Classic or attenuated familial adenomatous polyposis. Last evaluated: 2023-05-16. Review status: criteria provided, single submitter. Criteria: ACMG Guidelines, 2015. Collection method: clinical testing. Allele origin: germline. Inheritance: Autosomal dominant inheritance. Observed: 1 variant allele, 1 heterozygote.
Comment: This missense variant replaces serine with asparagine at codon 1081 of the APC protein. Computational prediction suggests that this variant may not impact protein structure and function (internally defined REVEL score threshold <= 0.5, PMID: 27666373). To our knowledge, functional studies have not been reported for this variant. This variant has not been reported in individuals affected with APC-related disorders in the literature. This variant has been identified in 1/31396 chromosomes in the general population by the Genome Aggregation Database (gnomAD). The available evidence is insufficient to determine the role of this variant in disease conclusively. Therefore, this variant is classified as a Variant of Uncertain Significance.

This study involves interpretation of variants in research participants for the purpose of population health screening. Participant phenotype was not available at the time of variant classification. Additional details can be found in publication PMID: 35346344, PMCID: PMC8962531

Baylor Genetics
Classification: Uncertain significance for Familial adenomatous polyposis 1. Last evaluated: 2023-05-03. Review status: criteria provided, single submitter. Criteria: ACMG Guidelines, 2015. Collection method: clinical testing. Allele origin: unknown.

Color Diagnostics, LLC DBA Color Health
Classification: Uncertain significance for Hereditary cancer-predisposing syndrome. Last evaluated: 2023-04-26. Review status: criteria provided, single submitter. Criteria: ACMG Guidelines, 2015. Collection method: clinical testing. Allele origin: germline.
Comment: This missense variant replaces serine with asparagine at codon 1081 of the APC protein. Computational prediction suggests that this variant may not impact protein structure and function (internally defined REVEL score threshold <= 0.5, PMID: 27666373). To our knowledge, functional studies have not been reported for this variant. This variant has not been reported in individuals affected with APC-related disorders in the literature. This variant has been identified in 1/31396 chromosomes in the general population by the Genome Aggregation Database (gnomAD). The available evidence is insufficient to determine the role of this variant in disease conclusively. Therefore, this variant is classified as a Variant of Uncertain Significance.

Myriad Genetics, Inc.
Classification: Uncertain significance for Familial adenomatous polyposis 1. Last evaluated: 2023-02-15. Review status: criteria provided, single submitter. Criteria: Myriad Autosomal Dominant, Autosomal Recessive and X-Linked Classification Criteria (2023). Collection method: clinical testing. Allele origin: unknown.
Comment: This variant is classified as a variant of uncertain significance as there is insufficient evidence to determine its impact on protein function and/or cancer risk.

Sema4
Classification: Uncertain significance for Hereditary cancer-predisposing syndrome. Last evaluated: 2021-07-12. Review status: criteria provided, single submitter. Criteria: Sema4 Curation Guidelines. Collection method: curation. Allele origin: germline.
Comment: The APC c.3242G>A (p.S1081N) variant has been reported in at least one individual with renal clear cell carcinoma (PMID: 29684080). It was observed in 1/31396 chromosomes in the large and broad cohorts of the Genome Aggregation Database (PMID: 32461654). This variant has been reported in ClinVar (Variation ID 219459). Functional studies have not been performed, and in silico predictions of the variant's effect on protein function are inconclusive. The evidence is insufficient to meet ACMG/AMP criteria for classifying the variant as benign or pathogenic. Thus, the clinical significance of this variant is currently uncertain.

PreventionGenetics, part of Exact Sciences
Classification: Uncertain significance for APC-related condition. Last evaluated: 2024-05-05. Review status: no assertion criteria provided. Collection method: clinical testing. Allele origin: germline. Not counted in ClinVar's aggregate classification.
Comment: The APC c.3242G>A variant is predicted to result in the amino acid substitution p.Ser1081Asn. This variant has been reported with another missense variant in the gene APC in an individual from a cohort study on patients with features of Cowden/Cowden-like (CS/CS-like) and Bannayan-Riley-Ruvalcaba syndromes (BRRS) without PTEN mutations (S9_Table. Yehia et al 2018. PubMed ID: 29684080). This variant is reported in 0.011% of alleles in individuals of African descent in gnomAD. This variant is interpreted as a variant of uncertain significance by majority of the submitters in ClinVar. At this time, the clinical significance of this variant is uncertain due to the absence of conclusive functional and genetic evidence.

Counsyl
Classification: Uncertain significance for Familial adenomatous polyposis 1. Last evaluated: 2017-02-24. Review status: no assertion criteria provided. Collection method: clinical testing. Allele origin: unknown. Not counted in ClinVar's aggregate classification.

Literature cited by the submitters: PubMed 32913981 (cited by Quest Diagnostics Nichols Institute San Juan Capistrano); PubMed 29684080 (cited by 3 submitters).